The following is an entry in ClinVar:

NM_004281.4(BAG3):c.1632_1658dup (p.Asp544_Pro552dup)

Gene: BAG3 (BAG cochaperone 3; plus strand). Cytogenetic location: 10q26.11.
Variant type: Duplication.
Coding change: c.1632_1658dup on transcript NM_004281.4 (MANE Select); coding-DNA positions 1632 to 1658, 27 bases duplicated (TCCCCACACAGAAACCCAGCAGCCAGA).
Protein change: p.Asp544_Pro552dup.
Molecular consequence: inframe insertion.
Genome position (GRCh38, 1-based): chr10:119,677,186-119,677,212, TCCCCACACAGAAACCCAGCAGCCAGA duplicated; duplicating any 27 consecutive bases within chr10:119,677,183-119,677,212 gives the same sequence; the c. name uses the placement nearest the transcript's 3' end. VCF-style (leftmost placement, unchanged base first): chr10-119677182-A-AAGATCCCCACACAGAAACCCAGCAGCC. GRCh37 (hg19) VCF-style: chr10-121436694-A-AAGATCCCCACACAGAAACCCAGCAGCC.
Identifiers: ClinVar variation 1369048 (VCV001369048.9), dbSNP rs2134069510, ClinGen allele CA2573145592.
Genomic context (GRCh38, chr10:119,677,182, plus strand): 5'-CAATCATGGAGATGGGTGCCGTGGCAGCAGACAAGGGCAAGAAAAATGCTGGAAATGCAG[A>AAGATCCCCACACAGAAACCCAGCAGCC]AGATCCCCACACAGAAACCCAGCAGCCAGAAGCCACAGCAGCAGCGACTTCAAACCCCAG-3'

ClinVar aggregate classification (germline): Uncertain significance. Review status: criteria provided, multiple submitters, no conflicts (2 of 4 stars). 2 submissions from 2 submitters: Uncertain significance (2). Last evaluated 2025-06-25.

Conditions:
Dilated cardiomyopathy 1HH (CMD1HH). Identifiers: Orphanet 154, MedGen C3151293, MONDO:0013479, OMIM 613881.
Myofibrillar myopathy 6. Identifiers: Orphanet 199340, MedGen C2751831, MONDO:0013061, OMIM 612954.

Submissions (2):

Labcorp Genetics (formerly Invitae), Labcorp
Classification: Uncertain significance for Dilated cardiomyopathy 1HH; Myofibrillar myopathy 6. Last evaluated: 2025-06-25. Review status: criteria provided, single submitter. Criteria: Invitae Variant Classification Sherloc (09022015). Collection method: clinical testing. Allele origin: germline.
Comment: This variant, c.1632_1658dup, results in the insertion of 9 amino acid(s) of the BAG3 protein (p.Asp544_Pro552dup), but otherwise preserves the integrity of the reading frame. This variant is not present in population databases (gnomAD no frequency). This variant has not been reported in the literature in individuals affected with BAG3-related conditions. ClinVar contains an entry for this variant (Variation ID: 1369048). Experimental studies and prediction algorithms are not available or were not evaluated, and the functional significance of this variant is currently unknown. In summary, the available evidence is currently insufficient to determine the role of this variant in disease. Therefore, it has been classified as a Variant of Uncertain Significance.

Blueprint Genetics
Classification: Uncertain significance. Last evaluated: 2019-09-30. Review status: criteria provided, single submitter. Criteria: ACMG Guidelines, 2015. Collection method: clinical testing. Allele origin: germline.